The following is an entry in ClinVar:

NM_002354.3(EPCAM):c.767C>T (p.Ala256Val)

Gene: EPCAM (epithelial cell adhesion molecule; plus strand). Cytogenetic location: 2p21.
Variant type: single nucleotide variant.
Coding change: c.767C>T on transcript NM_002354.3 (MANE Select); coding-DNA position 767, C replaced by T.
Protein change: p.Ala256Val; replaces alanine 256 with valine.
Molecular consequence: missense variant.
Genome position (GRCh38, 1-based): chr2:47,379,878, C>T. VCF-style: chr2-47379878-C-T. GRCh37 (hg19) VCF-style: chr2-47607017-C-T.
Other names: short protein forms A256V.
Identifiers: ClinVar variation 3222136 (VCV003222136.1), dbSNP rs1558438641, ClinGen allele CA346724688.
Genomic context (GRCh38, chr2:47,379,878, plus strand): 5'-ATGGGGAACAACTGGATCTGGATCCTGGTCAAACTTTAATTTATTATGTTGATGAAAAAG[C>T]ACCTGAATTCTCAATGCAGGGTCTAAAAGCTGGTGTTATTGCTGTTATTGTGGTTGTGGT-3'
Protein context (NP_002345.2, residues 246-266): QTLIYYVDEK[Ala256Val]PEFSMQGLKA

ClinVar aggregate classification (germline): Uncertain significance (1 of 4 stars; one submission).

Conditions:
Hereditary cancer-predisposing syndrome. Also called: Tumor predisposition; Hereditary neoplastic syndrome; Hereditary Cancer Syndrome; Neoplastic Syndromes, Hereditary. Identifiers: Orphanet 140162, MedGen C0027672, MeSH D009386, MONDO:0015356.

Submission:

Ambry Genetics
Classification: Uncertain significance for Hereditary cancer-predisposing syndrome. Last evaluated: 2023-11-19. Review status: criteria provided, single submitter. Criteria: Ambry Variant Classification Scheme 2023. Collection method: clinical testing. Allele origin: germline.
Comment: The p.A256V variant (also known as c.767C>T), located in coding exon 7 of the EPCAM gene, results from a C to T substitution at nucleotide position 767. The alanine at codon 256 is replaced by valine, an amino acid with similar properties. This amino acid position is conserved. In addition, this alteration is predicted to be tolerated by in silico analysis. Since supporting evidence is limited at this time, the clinical significance of this alteration remains unclear.